The following is an entry in ClinVar:

NM_000179.3(MSH6):c.3922C>T (p.Leu1308Phe)

Gene: MSH6 (mutS homolog 6; plus strand). Cytogenetic location: 2p16.3.
Variant type: single nucleotide variant.
Coding change: c.3922C>T on transcript NM_000179.3 (MANE Select); coding-DNA position 3922, C replaced by T.
Protein change: p.Leu1308Phe; replaces leucine 1308 with phenylalanine.
Molecular consequence: missense variant.
Genome position (GRCh38, 1-based): chr2:47,806,572, C>T. VCF-style: chr2-47806572-C-T. GRCh37 (hg19) VCF-style: chr2-48033711-C-T.
Other names: c.3532C>T, p.Leu1178Phe (NM_001281492.2); c.3016C>T, p.Leu1006Phe (NM_001281493.2, NM_001281494.2); short protein forms L1006F, L1308F, L1178F.
Identifiers: ClinVar variation 970847 (VCV000970847.13), dbSNP rs1670123500, ClinGen allele CA346761464.
Genomic context (GRCh38, chr2:47,806,572, plus strand): 5'-AAATTCATTAAGGGAGCTTGTCCTAAAAGCTATGGCTTTAATGCAGCAAGGCTTGCTAAT[C>T]TCCCAGAGGAAGTTATTCAAAAGGGACATAGAAAAGCAAGAGAATTTGAGAAGATGAATC-3'
Protein context (NP_000170.1, residues 1298-1318): YGFNAARLAN[Leu1308Phe]PEEVIQKGHR

ClinVar aggregate classification (germline): Uncertain significance. Review status: criteria provided, multiple submitters, no conflicts (2 of 4 stars). 3 submissions from 3 submitters: Uncertain significance (3). Last evaluated 2024-04-27.

Conditions:
Hereditary nonpolyposis colorectal neoplasms. Identifiers: MedGen C0009405, MeSH D003123.
Lynch syndrome. Identifiers: Orphanet 144, MedGen C4552100, MONDO:0005835. Disease mechanism: loss of function.
Hereditary cancer-predisposing syndrome. Also called: Neoplastic Syndromes, Hereditary; Hereditary Cancer Syndrome; Tumor predisposition; Hereditary neoplastic syndrome. Identifiers: Orphanet 140162, MedGen C0027672, MeSH D009386, MONDO:0015356.

Allele frequency attached by ClinVar (database versions not stated): TOPMed below 0.00001.

Submissions (3):

Labcorp Genetics (formerly Invitae), Labcorp
Classification: Uncertain significance for Hereditary nonpolyposis colorectal neoplasms. Last evaluated: 2024-04-27. Review status: criteria provided, single submitter. Criteria: Invitae Variant Classification Sherloc (09022015). Collection method: clinical testing. Allele origin: germline.
Comment: This sequence change replaces leucine, which is neutral and non-polar, with phenylalanine, which is neutral and non-polar, at codon 1308 of the MSH6 protein (p.Leu1308Phe). This variant is not present in population databases (gnomAD no frequency). This variant has not been reported in the literature in individuals affected with MSH6-related conditions. ClinVar contains an entry for this variant (Variation ID: 970847). Advanced modeling of protein sequence and biophysical properties (such as structural, functional, and spatial information, amino acid conservation, physicochemical variation, residue mobility, and thermodynamic stability) performed at Invitae indicates that this missense variant is not expected to disrupt MSH6 protein function with a negative predictive value of 95%. In summary, the available evidence is currently insufficient to determine the role of this variant in disease. Therefore, it has been classified as a Variant of Uncertain Significance.

All of Us Research Program, National Institutes of Health
Classification: Uncertain significance for Lynch syndrome. Last evaluated: 2023-12-18. Review status: criteria provided, single submitter. Criteria: ACMG Guidelines, 2015. Collection method: clinical testing. Allele origin: germline. Inheritance: Autosomal dominant inheritance. Observed: 1 variant allele, 1 heterozygote.
Comment: This missense variant replaces leucine with phenylalanine at codon 1308 of the MSH6 protein. Computational prediction is inconclusive regarding the impact of this variant on protein structure and function (internally defined REVEL score threshold 0.5 < inconclusive < 0.7, PMID: 27666373). To our knowledge, functional studies have not been reported for this variant. This variant has not been reported in individuals affected with MSH6-related disorders in the literature. This variant has not been identified in the general population by the Genome Aggregation Database (gnomAD). The available evidence is insufficient to determine the role of this variant in disease conclusively. Therefore, this variant is classified as a Variant of Uncertain Significance.

This study involves interpretation of variants in research participants for the purpose of population health screening. Participant phenotype was not available at the time of variant classification. Additional details can be found in publication PMID: 35346344, PMCID: PMC8962531

Ambry Genetics
Classification: Uncertain significance for Hereditary cancer-predisposing syndrome. Last evaluated: 2021-06-25. Review status: criteria provided, single submitter. Criteria: Ambry Variant Classification Scheme 2023. Collection method: clinical testing. Allele origin: germline.
Comment: The p.L1308F variant (also known as c.3922C>T), located in coding exon 9 of the MSH6 gene, results from a C to T substitution at nucleotide position 3922. The leucine at codon 1308 is replaced by phenylalanine, an amino acid with highly similar properties. This amino acid position is not well conserved in available vertebrate species. In addition, the in silico prediction for this alteration is inconclusive. Since supporting evidence is limited at this time, the clinical significance of this alteration remains unclear.